The following is an entry in ClinVar:

ClinVar aggregate classification (germline): Uncertain significance (1 of 4 stars; one submission).

Submission:

Labcorp Genetics (formerly Invitae), Labcorp
Classification: Uncertain significance. Last evaluated: 2022-06-09. Review status: criteria provided, single submitter. Criteria: Invitae Variant Classification Sherloc (09022015). Collection method: clinical testing. Allele origin: germline.
Comment: This variant, c.2619_2624del, results in the deletion of 2 amino acid(s) of the CTDP1 protein (p.Asp873_Ser874del), but otherwise preserves the integrity of the reading frame. The frequency data for this variant in the population databases is considered unreliable, as metrics indicate poor data quality at this position in the gnomAD database. This variant has not been reported in the literature in individuals affected with CTDP1-related conditions. Experimental studies and prediction algorithms are not available or were not evaluated, and the functional significance of this variant is currently unknown. In summary, the available evidence is currently insufficient to determine the role of this variant in disease. Therefore, it has been classified as a Variant of Uncertain Significance.

NM_004715.5(CTDP1):c.2613CAGCGA[1] (p.871DS[1])

Gene: CTDP1 (CTD phosphatase subunit 1; plus strand). Cytogenetic location: 18q23.
Variant type: Microsatellite.
Coding change: c.2613CAGCGA[1] on transcript NM_004715.5 (MANE Select); one copy of the 6-base unit CAGCGA starting at c.2613; the reference has two copies in a row; one copy, 6 bases deleted.
Protein change: p.871DS[1].
Molecular consequence: inframe deletion. On other transcripts: intron variant (1).
Genome position (GRCh38, 1-based): chr18:79,736,393-79,736,398, CAGCGA deleted; deleting any 6 consecutive bases within chr18:79,736,384-79,736,398 gives the same sequence; the position shown is the placement nearest the transcript's 3' end. VCF-style (leftmost placement, unchanged base first): chr18-79736383-ACGACAG-A. GRCh37 (hg19) VCF-style: chr18-77496383-ACGACAG-A.
Other names: c.2256CAGCGA[1], p.752DS[1] (NM_001202504.1); c.2450CAGCGA[1], p.817TA[1] (NM_048368.4); c.2580+7324_2580+7329del (NM_001318511.2).
Identifiers: ClinVar variation 2039759 (VCV002039759.1), dbSNP rs776317449, ClinGen allele CA9010667.